The following is an entry in ClinVar:

ClinVar aggregate classification (germline): Uncertain significance (1 of 4 stars; one submission).

gnomAD v4.1: 1 of 1,614,156 alleles (0.000062%); highest among the groups gnomAD compares: Non-Finnish European, 0.000085%; no homozygotes.

Submission:

Labcorp Genetics (formerly Invitae), Labcorp
Classification: Uncertain significance. Last evaluated: 2024-01-08. Review status: criteria provided, single submitter. Criteria: Invitae Variant Classification Sherloc (09022015). Collection method: clinical testing. Allele origin: germline.
Comment: This sequence change replaces valine, which is neutral and non-polar, with methionine, which is neutral and non-polar, at codon 623 of the DNM1L protein (p.Val623Met). This variant is not present in population databases (gnomAD no frequency). This variant has not been reported in the literature in individuals affected with DNM1L-related conditions. ClinVar contains an entry for this variant (Variation ID: 2198460). An algorithm developed to predict the effect of missense changes on protein structure and function (PolyPhen-2) suggests that this variant is likely to be disruptive. In summary, the available evidence is currently insufficient to determine the role of this variant in disease. Therefore, it has been classified as a Variant of Uncertain Significance.

NM_012062.5(DNM1L):c.1867G>A (p.Val623Met)

Gene: DNM1L (dynamin 1 like; plus strand). Cytogenetic location: 12p11.21.
Variant type: single nucleotide variant.
Coding change: c.1867G>A on transcript NM_012062.5 (MANE Select); coding-DNA position 1867, G replaced by A.
Protein change: p.Val623Met; replaces valine 623 with methionine.
Molecular consequence: missense variant.
Genome position (GRCh38, 1-based): chr12:32,740,223, G>A. VCF-style: chr12-32740223-G-A. GRCh37 (hg19) VCF-style: chr12-32893157-G-A.
Other names: c.1834G>A, p.Val612Met (NM_001278463.2); c.1906G>A, p.Val636Met (NM_001278464.2); c.1873G>A, p.Val625Met (NM_001278465.2); c.1258G>A, p.Val420Met (NM_001278466.2); c.1795G>A, p.Val599Met (NM_001330380.2); c.1756G>A, p.Val586Met (NM_005690.5); c.1789G>A, p.Val597Met (NM_012063.4); short protein forms V599M, V623M, V597M, V625M, V586M, V612M, V420M, V636M.
Identifiers: ClinVar variation 2198460 (VCV002198460.4), dbSNP rs757191582, ClinGen allele CA235205839.